The following is an entry in ClinVar:

NM_006270.5(RRAS):c.460C>T (p.Arg154Ter)

Gene: RRAS (RAS related; minus strand). Cytogenetic location: 19q13.33.
Variant type: single nucleotide variant.
Coding change: c.460C>T on transcript NM_006270.5 (MANE Select); coding-DNA position 460, C replaced by T.
Protein change: p.Arg154Ter; replaces arginine 154 with a stop codon.
Molecular consequence: nonsense.
Genome position (GRCh38, 1-based): chr19:49,635,846, G>A on the plus strand (C>T on the coding strand, the complement: RRAS is on the minus strand). VCF-style: chr19-49635846-G-A. GRCh37 (hg19) VCF-style: chr19-50139103-G-A.
Other names: short protein forms R154*.
Identifiers: ClinVar variation 4696931 (VCV004696931.1).

ClinVar aggregate classification (germline): Uncertain significance (1 of 4 stars; one submission).

Conditions:
Noonan syndrome (NS). Also called: Noonan's syndrome. Identifiers: Orphanet 648, MedGen C0028326, MeSH D009634, MONDO:0018997. Disease mechanism: gain of function.

Submission:

Labcorp Genetics (formerly Invitae), Labcorp
Classification: Uncertain significance for Noonan syndrome. Last evaluated: 2025-10-21. Review status: criteria provided, single submitter. Criteria: Invitae Variant Classification Sherloc (09022015). Collection method: clinical testing. Allele origin: germline.
Comment: This sequence change creates a premature translational stop signal (p.Arg154*) in the RRAS gene. It is expected to result in an absent or disrupted protein product. However, the current clinical and genetic evidence is not sufficient to establish whether loss-of-function variants in RRAS cause disease. The frequency data for this variant in the population databases is considered unreliable, as metrics indicate poor data quality at this position in the gnomAD database. This variant has not been reported in the literature in individuals affected with RRAS-related conditions. In summary, the available evidence is currently insufficient to determine the role of this variant in disease. Therefore, it has been classified as a Variant of Uncertain Significance.